The following is an entry in ClinVar:

ClinVar aggregate classification (germline): Uncertain significance (1 of 4 stars; one submission).

Allele frequency attached by ClinVar (database versions not stated): ExAC 0.00002.
gnomAD v4.1: 3 of 1,614,132 alleles (0.00019%); highest among the groups gnomAD compares: East Asian, 0.0067%; no homozygotes.

Submission:

Labcorp Genetics (formerly Invitae), Labcorp
Classification: Uncertain significance. Last evaluated: 2023-05-23. Review status: criteria provided, single submitter. Criteria: Invitae Variant Classification Sherloc (09022015). Collection method: clinical testing. Allele origin: germline.
Comment: This sequence change replaces methionine, which is neutral and non-polar, with isoleucine, which is neutral and non-polar, at codon 269 of the CDH3 protein (p.Met269Ile). This variant is present in population databases (rs11547234, gnomAD 0.02%). This variant has not been reported in the literature in individuals affected with CDH3-related conditions. ClinVar contains an entry for this variant (Variation ID: 2079904). Advanced modeling of protein sequence and biophysical properties (such as structural, functional, and spatial information, amino acid conservation, physicochemical variation, residue mobility, and thermodynamic stability) performed at Invitae indicates that this missense variant is not expected to disrupt CDH3 protein function. In summary, the available evidence is currently insufficient to determine the role of this variant in disease. Therefore, it has been classified as a Variant of Uncertain Significance.

NM_001793.6(CDH3):c.807G>A (p.Met269Ile)

Gene: CDH3 (cadherin 3; plus strand). Cytogenetic location: 16q22.1.
Variant type: single nucleotide variant.
Coding change: c.807G>A on transcript NM_001793.6 (MANE Select); coding-DNA position 807, G replaced by A.
Protein change: p.Met269Ile; replaces methionine 269 with isoleucine.
Molecular consequence: missense variant.
Genome position (GRCh38, 1-based): chr16:68,679,914, G>A. VCF-style: chr16-68679914-G-A. GRCh37 (hg19) VCF-style: chr16-68713817-G-A.
Other names: c.807G>A, p.Met269Ile (NM_001317195.3); c.642G>A, p.Met214Ile (NM_001317196.2); short protein forms M269I, M214I.
Identifiers: ClinVar variation 2079904 (VCV002079904.3), dbSNP rs11547234, ClinGen allele CA8129148.
Genomic context (GRCh38, chr16:68,679,914, plus strand): 5'-CAATGGGGTGGTTGCTTACTCCATCCATAGCCAAGAACCAAAGGACCCACACGACCTCAT[G>A]TTCACCATTCACCGGAGCACAGGCACCATCAGCGTCATCTCCAGTGGCCTGGACCGGGAA-3'
Protein context (NP_001784.2, residues 259-279): SQEPKDPHDL[Met269Ile]FTIHRSTGTI